The following is an entry in ClinVar:

NM_015681.6(B9D1):c.-154G>A

Gene: B9D1 (B9 domain containing 1; minus strand). Cytogenetic location: 17p11.2.
Variant type: single nucleotide variant.
Coding change: c.-154G>A on transcript NM_015681.6 (MANE Select); 154 bases upstream of the start codon, G replaced by A.
Molecular consequence: 5 prime UTR variant. On other transcripts: intron variant (1).
Genome position (GRCh38, 1-based): chr17:19,362,723, C>T on the plus strand (G>A on the coding strand, the complement: B9D1 is on the minus strand). VCF-style: chr17-19362723-C-T. GRCh37 (hg19) VCF-style: chr17-19266036-C-T.
Other names: c.-154G>A (NM_001321214.2, NM_001321215.3, NM_001321216.2 and 4 more transcripts); c.-297-2335G>A (NM_001368769.2).
Identifiers: ClinVar variation 3765671 (VCV003765671.1).

ClinVar aggregate classification (germline): Uncertain significance (1 of 4 stars; one submission).

Submission:

Greenwood Genetic Center Diagnostic Laboratories, Greenwood Genetic Center
Classification: Uncertain significance. Last evaluated: 2024-09-25. Review status: criteria provided, single submitter. Criteria: ACMG Guidelines, 2015. Collection method: clinical testing. Allele origin: germline. Affected: yes.
Comment: PM2